The following is an entry in ClinVar:

NM_001558.4(IL10RA):c.1181A>G (p.Asn394Ser)

Gene: IL10RA (interleukin 10 receptor subunit alpha; plus strand). Cytogenetic location: 11q23.3.
Variant type: single nucleotide variant.
Coding change: c.1181A>G on transcript NM_001558.4 (MANE Select); coding-DNA position 1181, A replaced by G.
Protein change: p.Asn394Ser; replaces asparagine 394 with serine.
Molecular consequence: missense variant. On other transcripts: non-coding transcript variant (1).
Genome position (GRCh38, 1-based): chr11:117,999,085, A>G. VCF-style: chr11-117999085-A-G. GRCh37 (hg19) VCF-style: chr11-117869800-A-G.
Other names: short protein forms N394S.
Identifiers: ClinVar variation 3650106 (VCV003650106.2).

ClinVar aggregate classification (germline): Uncertain significance (1 of 4 stars; one submission).

Conditions:
Inflammatory bowel disease 28. Also called: Inflammatory bowel disease 28, early onset, autosomal recessive. Identifiers: Orphanet 238569, MedGen C2751053, MONDO:0013153, OMIM 613148.

Submission:

Labcorp Genetics (formerly Invitae), Labcorp
Classification: Uncertain significance for Inflammatory bowel disease 28. Last evaluated: 2024-04-16. Review status: criteria provided, single submitter. Criteria: Invitae Variant Classification Sherloc (09022015). Collection method: clinical testing. Allele origin: germline.
Comment: This sequence change replaces asparagine, which is neutral and polar, with serine, which is neutral and polar, at codon 394 of the IL10RA protein (p.Asn394Ser). This variant is not present in population databases (gnomAD no frequency). This variant has not been reported in the literature in individuals affected with IL10RA-related conditions. Advanced modeling of protein sequence and biophysical properties (such as structural, functional, and spatial information, amino acid conservation, physicochemical variation, residue mobility, and thermodynamic stability) performed at Invitae indicates that this missense variant is not expected to disrupt IL10RA protein function with a negative predictive value of 80%. In summary, the available evidence is currently insufficient to determine the role of this variant in disease. Therefore, it has been classified as a Variant of Uncertain Significance.